The following is an entry in ClinVar:

NM_001754.5(RUNX1):c.958C>A (p.Arg320=)

Gene: RUNX1 (RUNX family transcription factor 1; minus strand). Cytogenetic location: 21q22.12.
Variant type: single nucleotide variant.
Coding change: c.958C>A on transcript NM_001754.5 (MANE Select); coding-DNA position 958, C replaced by A.
Protein change: p.Arg320=; no amino-acid change (arginine 320 retained).
Molecular consequence: synonymous variant.
Genome position (GRCh38, 1-based): chr21:34,799,310, G>T on the plus strand (C>A on the coding strand, the complement: RUNX1 is on the minus strand). VCF-style: chr21-34799310-G-T. GRCh37 (hg19) VCF-style: chr21-36171607-G-T.
Other names: NM_001754.5(RUNX1):c.958C>A; p.Arg320=; c.877C>A, p.Arg293= (NM_001001890.3).
Identifiers: ClinVar variation 2814422 (VCV002814422.6), dbSNP rs1569008655, ClinGen allele CA512232176.

ClinVar aggregate classification (germline): Likely benign. Review status: reviewed by expert panel (3 of 4 stars). 2 submissions from 2 submitters: Likely benign (1). 1 of the submissions does not count toward it. Last evaluated 2026-04-29.

Conditions:
Hereditary thrombocytopenia and hematological cancer predisposition syndrome associated with RUNX1. Also called: Familial Platelet Disorder with Propensity to Acute Myelogenous Leukemia; Familial thrombocytopenia with propensity to acute myelogenous leukemia; PLATELET DISORDER, ASPIRIN-LIKE; RUNX1 Familial Platelet Disorder with Associated Myeloid Malignancies. Identifiers: Orphanet 71290, MedGen C1832388, MeSH C563324, MONDO:0100083, OMIM 601399.
Hereditary thrombocytopenia and hematologic cancer predisposition syndrome. Identifiers: Orphanet 71290, MedGen CN281654, MONDO:0011071.

Submissions (2):

ClinGen Myeloid Malignancy Variant Curation Expert Panel
Classification: Likely benign for Hereditary thrombocytopenia and hematologic cancer predisposition syndrome. Last evaluated: 2026-04-29. Review status: reviewed by expert panel. Criteria: ClinGen MyeloMalig ACMG Specifications V3.1. Collection method: curation. Allele origin: germline. Inheritance: Autosomal dominant inheritance.
Comment: NM_001754.5(RUNX1):c.958C>A (p.Arg320=) is a synonymous variant which has a SpliceAI score ≤ 0.20 (0.011) (BP4, BP7). This variant is completely absent from all population databases with at least 20x coverage for RUNX1 (PM2_supporting). In summary, this variant meets criteria to be classified as likely benign. ACMG/AMP criteria applied, as specified by the Myeloid Malignancy Variant Curation Expert Panel for RUNX1: BP4, BP7, PM2_supporting.

Labcorp Genetics (formerly Invitae), Labcorp
Classification: Likely benign for Hereditary thrombocytopenia and hematological cancer predisposition syndrome associated with RUNX1. Last evaluated: 2022-11-15. Review status: criteria provided, single submitter. Criteria: Invitae Variant Classification Sherloc (09022015). Collection method: clinical testing. Allele origin: germline. Not counted in ClinVar's aggregate classification.